The following is an entry in ClinVar:

NM_006947.4(SRP72):c.800C>T (p.Ala267Val)

Gene: SRP72 (signal recognition particle 72; plus strand). Cytogenetic location: 4q12.
Variant type: single nucleotide variant.
Coding change: c.800C>T on transcript NM_006947.4 (MANE Select); coding-DNA position 800, C replaced by T.
Protein change: p.Ala267Val; replaces alanine 267 with valine.
Molecular consequence: missense variant. On other transcripts: non-coding transcript variant (1), intron variant (1).
Genome position (GRCh38, 1-based): chr4:56,478,624, C>T. VCF-style: chr4-56478624-C-T. GRCh37 (hg19) VCF-style: chr4-57344790-C-T.
Other names: c.642+1922C>T (NM_001267722.2); short protein forms A267V.
Identifiers: ClinVar variation 2756142 (VCV002756142.3), dbSNP rs2545755221, ClinGen allele CA356998101.

ClinVar aggregate classification (germline): Uncertain significance (1 of 4 stars; one submission).

Submission:

Labcorp Genetics (formerly Invitae), Labcorp
Classification: Uncertain significance. Last evaluated: 2023-08-28. Review status: criteria provided, single submitter. Criteria: Invitae Variant Classification Sherloc (09022015). Collection method: clinical testing. Allele origin: germline.
Comment: This sequence change replaces alanine, which is neutral and non-polar, with valine, which is neutral and non-polar, at codon 267 of the SRP72 protein (p.Ala267Val). This variant is not present in population databases (gnomAD no frequency). In summary, the available evidence is currently insufficient to determine the role of this variant in disease. Therefore, it has been classified as a Variant of Uncertain Significance. Advanced modeling of protein sequence and biophysical properties (such as structural, functional, and spatial information, amino acid conservation, physicochemical variation, residue mobility, and thermodynamic stability) performed at Invitae indicates that this missense variant is not expected to disrupt SRP72 protein function. This variant has not been reported in the literature in individuals affected with SRP72-related conditions.